The following is an entry in ClinVar:

ClinVar aggregate classification (germline): Conflicting classifications of pathogenicity. Review status: criteria provided, conflicting classifications (1 of 4 stars). 2 submissions from 2 submitters: Uncertain significance (1); Benign (1). Last evaluated 2025-09-15.

Conditions:
Familial adenomatous polyposis 2. Also called: ADENOMAS, MULTIPLE COLORECTAL, AUTOSOMAL RECESSIVE; MUTYH-related attenuated familial adenomatous polyposis; MUTYH-associated polyposis; Adenomas, multiple colorectal; COLORECTAL ADENOMATOUS POLYPOSIS, AUTOSOMAL RECESSIVE; MYH-associated polyposis. Identifiers: Orphanet 220460, Orphanet 247798, MedGen C3272841, MONDO:0012041, OMIM 608456.
Hereditary cancer-predisposing syndrome. Also called: Hereditary neoplastic syndrome; Hereditary Cancer Syndrome; Tumor predisposition; Neoplastic Syndromes, Hereditary. Identifiers: Orphanet 140162, MedGen C0027672, MeSH D009386, MONDO:0015356.

Submissions (2):

Ambry Genetics
Classification: Benign for Hereditary cancer-predisposing syndrome. Last evaluated: 2025-09-15. Review status: criteria provided, single submitter. Criteria: Ambry Variant Classification Scheme 2023. Collection method: clinical testing. Allele origin: germline.

Labcorp Genetics (formerly Invitae), Labcorp
Classification: Uncertain significance for Familial adenomatous polyposis 2. Last evaluated: 2024-08-03. Review status: criteria provided, single submitter. Criteria: Invitae Variant Classification Sherloc (09022015). Collection method: clinical testing. Allele origin: germline.
Comment: This sequence change replaces serine, which is neutral and polar, with threonine, which is neutral and polar, at codon 304 of the MUTYH protein (p.Ser304Thr). This variant is not present in population databases (gnomAD no frequency). This variant has not been reported in the literature in individuals affected with MUTYH-related conditions. ClinVar contains an entry for this variant (Variation ID: 2453361). An algorithm developed to predict the effect of missense changes on protein structure and function (PolyPhen-2) suggests that this variant is likely to be tolerated. In summary, the available evidence is currently insufficient to determine the role of this variant in disease. Therefore, it has been classified as a Variant of Uncertain Significance.

NM_001048174.2(MUTYH):c.827G>C (p.Ser276Thr)

Gene: MUTYH (mutY DNA glycosylase; minus strand). Cytogenetic location: 1p34.1.
Variant type: single nucleotide variant.
Coding change: c.827G>C on transcript NM_001048174.2 (MANE Select); coding-DNA position 827, G replaced by C.
Protein change: p.Ser276Thr; replaces serine 276 with threonine.
Molecular consequence: missense variant. On other transcripts: non-coding transcript variant (7).
Genome position (GRCh38, 1-based): chr1:45,332,188, C>G on the plus strand (G>C on the coding strand, the complement: MUTYH is on the minus strand). VCF-style: chr1-45332188-C-G. GRCh37 (hg19) VCF-style: chr1-45797860-C-G.
Other names: c.827G>C, p.Ser276Thr (NM_001407073.1, NM_001407081.1, NM_001048171.2 and 6 more transcripts); c.743G>C, p.Ser248Thr (NM_001407075.1); c.860G>C, p.Ser287Thr (NM_001407077.1, NM_001293191.2, NM_001407069.1); c.830G>C, p.Ser277Thr (NM_001407078.1, NM_001048172.2, NM_001407071.1 and 1 more transcripts); c.788G>C, p.Ser263Thr (NM_001407079.1); c.785G>C, p.Ser262Thr (NM_001407080.1); c.482G>C, p.Ser161Thr (NM_001407082.1, NM_001350650.2, NM_001350651.2); c.869G>C, p.Ser290Thr (NM_001407083.1, NM_001407085.1); and 5 more; short protein forms S277T, S283T, S301T, S262T, S263T, S287T, S291T, S184T.
Identifiers: ClinVar variation 2453361 (VCV002453361.5), dbSNP rs1553127574, ClinGen allele CA340134351.